The following is an entry in ClinVar:

ClinVar aggregate classification (germline): Uncertain significance (1 of 4 stars; one submission).

Conditions:
Cardiovascular phenotype. Identifiers: MedGen CN230736.

Submission:

Ambry Genetics
Classification: Uncertain significance for Cardiovascular phenotype. Last evaluated: 2024-04-13. Review status: criteria provided, single submitter. Criteria: Ambry Variant Classification Scheme 2023. Collection method: clinical testing. Allele origin: germline.
Comment: The p.R129Q variant (also known as c.386G>A), located in coding exon 1 of the HCN4 gene, results from a G to A substitution at nucleotide position 386. The arginine at codon 129 is replaced by glutamine, an amino acid with highly similar properties. This amino acid position is conserved. In addition, this alteration is predicted to be tolerated by in silico analysis. Based on the available evidence, the clinical significance of this variant remains unclear.

NM_005477.3(HCN4):c.386G>A (p.Arg129Gln)

Gene: HCN4 (hyperpolarization activated cyclic nucleotide gated potassium channel 4; minus strand). Cytogenetic location: 15q24.1.
Variant type: single nucleotide variant.
Coding change: c.386G>A on transcript NM_005477.3 (MANE Select); coding-DNA position 386, G replaced by A.
Protein change: p.Arg129Gln; replaces arginine 129 with glutamine.
Molecular consequence: missense variant.
Genome position (GRCh38, 1-based): chr15:73,367,885, C>T on the plus strand (G>A on the coding strand, the complement: HCN4 is on the minus strand). VCF-style: chr15-73367885-C-T. GRCh37 (hg19) VCF-style: chr15-73660226-C-T.
Other names: short protein forms R129Q.
Identifiers: ClinVar variation 3283653 (VCV003283653.1).